The following is an entry in ClinVar:

ClinVar aggregate classification (germline): Uncertain significance. Review status: criteria provided, multiple submitters, no conflicts (2 of 4 stars). 2 submissions from 2 submitters: Uncertain significance (2). Last evaluated 2022-11-17.

Conditions:
Hereditary cancer-predisposing syndrome. Also called: Neoplastic Syndromes, Hereditary; Tumor predisposition; Hereditary Cancer Syndrome; Hereditary neoplastic syndrome. Identifiers: Orphanet 140162, MedGen C0027672, MeSH D009386, MONDO:0015356.
DICER1-related tumor predisposition. Also called: DICER1 syndrome; DICER1-related pleuropulmonary blastoma cancer predisposition syndrome. Identifiers: Orphanet 284343, MedGen C3839822, MONDO:0100216.

Submissions (2):

Labcorp Genetics (formerly Invitae), Labcorp
Classification: Uncertain significance for DICER1-related tumor predisposition. Last evaluated: 2022-11-17. Review status: criteria provided, single submitter. Criteria: Invitae Variant Classification Sherloc (09022015). Collection method: clinical testing. Allele origin: germline.
Comment: This variant has not been reported in the literature in individuals affected with DICER1-related conditions. Algorithms developed to predict the effect of missense changes on protein structure and function are either unavailable or do not agree on the potential impact of this missense change (SIFT: "Deleterious"; PolyPhen-2: "Possibly Damaging"; Align-GVGD: "Class C0"). This variant is not present in population databases (gnomAD no frequency). This sequence change replaces serine, which is neutral and polar, with proline, which is neutral and non-polar, at codon 1470 of the DICER1 protein (p.Ser1470Pro). In summary, the available evidence is currently insufficient to determine the role of this variant in disease. Therefore, it has been classified as a Variant of Uncertain Significance.

Ambry Genetics
Classification: Uncertain significance for Hereditary cancer-predisposing syndrome. Last evaluated: 2022-02-13. Review status: criteria provided, single submitter. Criteria: Ambry Variant Classification Scheme 2023. Collection method: clinical testing. Allele origin: germline.
Comment: The p.S1470P variant (also known as c.4408T>C), located in coding exon 22 of the DICER1 gene, results from a T to C substitution at nucleotide position 4408. The serine at codon 1470 is replaced by proline, an amino acid with similar properties. This amino acid position is conserved. In addition, this alteration is predicted to be deleterious by in silico analysis. Since supporting evidence is limited at this time, the clinical significance of this alteration remains unclear.

NM_177438.3(DICER1):c.4408T>C (p.Ser1470Pro)

Gene: DICER1 (dicer 1, ribonuclease III; minus strand). Cytogenetic location: 14q32.13.
Variant type: single nucleotide variant.
Coding change: c.4408T>C on transcript NM_177438.3 (MANE Select); coding-DNA position 4408, T replaced by C.
Protein change: p.Ser1470Pro; replaces serine 1470 with proline.
Molecular consequence: missense variant. On other transcripts: non-coding transcript variant (6).
Genome position (GRCh38, 1-based): chr14:95,096,512, A>G on the plus strand (T>C on the coding strand, the complement: DICER1 is on the minus strand). VCF-style: chr14-95096512-A-G. GRCh37 (hg19) VCF-style: chr14-95562849-A-G.
Other names: c.4408T>C, p.Ser1470Pro (NM_001195573.1, NM_001271282.3, NM_001291628.2 and 13 more transcripts); c.4126T>C, p.Ser1376Pro (NM_001395686.1); c.4003T>C, p.Ser1335Pro (NM_001395687.1, NM_001395688.1, NM_001395689.1 and 2 more transcripts); c.3841T>C, p.Ser1281Pro (NM_001395691.1); c.2725T>C, p.Ser909Pro (NM_001395697.1); short protein forms S1335P, S1470P, S909P, S1281P, S1376P.
Identifiers: ClinVar variation 1740367 (VCV001740367.5), dbSNP rs2542505146, ClinGen allele CA390868773.
Genomic context (GRCh38, chr14:95,096,512, plus strand): 5'-CTAAGGAGGATTTTTTGGGCATTTTCCATTCATATGCAGAATCAGTGGTTGAAAAAGGAG[A>G]AAGAGAGATTTTCTTTACAAAAGCTCCTGACCCCATTAACATATTATCTATAAATCTGAT-3'
Protein context (NP_803187.1, residues 1460-1480): SGAFVKKISL[Ser1470Pro]PFSTTDSAYE